The following is an entry in ClinVar:

ClinVar aggregate classification (germline): Conflicting classifications of pathogenicity. Review status: criteria provided, conflicting classifications (1 of 4 stars). 2 submissions from 2 submitters: Uncertain significance (1); Likely benign (1). Last evaluated 2023-12-11.

Conditions:
Hereditary nonpolyposis colorectal neoplasms. Identifiers: MedGen C0009405, MeSH D003123.
Hereditary cancer-predisposing syndrome. Also called: Neoplastic Syndromes, Hereditary; Tumor predisposition; Hereditary neoplastic syndrome; Hereditary Cancer Syndrome. Identifiers: Orphanet 140162, MedGen C0027672, MeSH D009386, MONDO:0015356.

gnomAD v4.1: 2 of 1,613,166 alleles (0.00012%); highest among the groups gnomAD compares: Non-Finnish European, 0.00017%; no homozygotes.

Submissions (2):

Labcorp Genetics (formerly Invitae), Labcorp
Classification: Likely benign for Hereditary nonpolyposis colorectal neoplasms. Last evaluated: 2023-12-11. Review status: criteria provided, single submitter. Criteria: Invitae Variant Classification Sherloc (09022015). Collection method: clinical testing. Allele origin: germline.

Ambry Genetics
Classification: Uncertain significance for Hereditary cancer-predisposing syndrome. Last evaluated: 2022-07-12. Review status: criteria provided, single submitter. Criteria: Ambry Variant Classification Scheme 2023. Collection method: clinical testing. Allele origin: germline.
Comment: The p.S834T variant (also known as c.2501G>C), located in coding exon 4 of the MSH6 gene, results from a G to C substitution at nucleotide position 2501. The serine at codon 834 is replaced by threonine, an amino acid with similar properties. This amino acid position is not well conserved in available vertebrate species. In addition, this alteration is predicted to be tolerated by in silico analysis. Since supporting evidence is limited at this time, the clinical significance of this alteration remains unclear.

NM_000179.3(MSH6):c.2501G>C (p.Ser834Thr)

Gene: MSH6 (mutS homolog 6; plus strand). Cytogenetic location: 2p16.3.
Variant type: single nucleotide variant.
Coding change: c.2501G>C on transcript NM_000179.3 (MANE Select); coding-DNA position 2501, G replaced by C.
Protein change: p.Ser834Thr; replaces serine 834 with threonine.
Molecular consequence: missense variant.
Genome position (GRCh38, 1-based): chr2:47,800,484, G>C. VCF-style: chr2-47800484-G-C. GRCh37 (hg19) VCF-style: chr2-48027623-G-C.
Other names: c.2111G>C, p.Ser704Thr (NM_001281492.2); c.1595G>C, p.Ser532Thr (NM_001281493.2, NM_001281494.2); short protein forms S834T, S704T, S532T.
Identifiers: ClinVar variation 642077 (VCV000642077.11), dbSNP rs752544046, ClinGen allele CA346754250.